The following is an entry in ClinVar:

NM_001040142.2(SCN2A):c.5325C>G (p.Ile1775Met)

Gene: SCN2A (sodium voltage-gated channel alpha subunit 2; plus strand). Cytogenetic location: 2q24.3.
Variant type: single nucleotide variant.
Coding change: c.5325C>G on transcript NM_001040142.2 (MANE Select); coding-DNA position 5325, C replaced by G.
Protein change: p.Ile1775Met; replaces isoleucine 1775 with methionine.
Molecular consequence: missense variant.
Genome position (GRCh38, 1-based): chr2:165,389,131, C>G. VCF-style: chr2-165389131-C-G. GRCh37 (hg19) VCF-style: chr2-166245641-C-G.
Other names: c.5325C>G, p.Ile1775Met (NM_001040143.2, NM_001371246.1, NM_001371247.1 and 1 more transcripts); short protein forms I1775M.
Identifiers: ClinVar variation 3756952 (VCV003756952.2).
Genomic context (GRCh38, chr2:165,389,131, plus strand): 5'-TTTTGTCAGTTACATCATCATATCCTTCCTGGTTGTGGTGAACATGTACATCGCGGTCAT[C>G]CTGGAGAACTTCAGTGTTGCTACTGAAGAAAGTGCAGAGCCTCTGAGTGAGGATGACTTT-3'
Protein context (NP_001035232.1, residues 1765-1785): LVVVNMYIAV[Ile1775Met]LENFSVATEE

ClinVar aggregate classification (germline): Pathogenic (1 of 4 stars; one submission).

Conditions:
Developmental and epileptic encephalopathy, 11 (DEE11). Also called: Early infantile epileptic encephalopathy 11. Identifiers: Orphanet 1934, MedGen C3150987, MONDO:0013388, OMIM 613721.
Seizures, benign familial infantile, 3 (BFIS3). Also called: CONVULSIONS, BENIGN FAMILIAL INFANTILE, 3; Familial neonatal seizures. Identifiers: Orphanet 140927, Orphanet 306, MedGen C1843140, MONDO:0011904, OMIM 607745.

Submission:

Labcorp Genetics (formerly Invitae), Labcorp
Classification: Pathogenic for Seizures, benign familial infantile, 3; Developmental and epileptic encephalopathy, 11. Last evaluated: 2024-12-23. Review status: criteria provided, single submitter. Criteria: Invitae Variant Classification Sherloc (09022015). Collection method: clinical testing. Allele origin: germline.
Comment: This sequence change replaces isoleucine, which is neutral and non-polar, with methionine, which is neutral and non-polar, at codon 1775 of the SCN2A protein (p.Ile1775Met). This variant is not present in population databases (gnomAD no frequency). This missense change has been observed in individual(s) with clinical features of SCN2A-related conditions (internal data). In at least one individual the variant was observed to be de novo. Invitae Evidence Modeling of protein sequence and biophysical properties (such as structural, functional, and spatial information, amino acid conservation, physicochemical variation, residue mobility, and thermodynamic stability) indicates that this missense variant is expected to disrupt SCN2A protein function with a positive predictive value of 95%. For these reasons, this variant has been classified as Pathogenic.